The following is an entry in ClinVar:

NM_001369623.2(PI4KB):c.178A>C (p.Lys60Gln)

Gene: PI4KB (phosphatidylinositol 4-kinase beta; minus strand). Cytogenetic location: 1q21.3.
Variant type: single nucleotide variant.
Coding change: c.178A>C on transcript NM_001369623.2 (MANE Select); coding-DNA position 178, A replaced by C.
Protein change: p.Lys60Gln; replaces lysine 60 with glutamine.
Molecular consequence: missense variant. On other transcripts: intron variant (1).
Genome position (GRCh38, 1-based): chr1:151,316,304, T>G on the plus strand (A>C on the coding strand, the complement: PI4KB is on the minus strand). VCF-style: chr1-151316304-T-G. GRCh37 (hg19) VCF-style: chr1-151288780-T-G.
Other names: c.178A>C, p.Lys60Gln (NM_001198773.3, NM_001198774.2, NM_001330721.2 and 3 more transcripts); c.214A>C, p.Lys72Gln (NM_001369625.1, NM_001369628.1, NM_002651.4); c.-42-8503A>C (NM_001198775.3); short protein forms K60Q, K72Q.
Identifiers: ClinVar variation 4990326 (VCV004990326.1).

ClinVar aggregate classification (germline): Likely benign (1 of 4 stars; one submission).

Conditions:
PI4KB-related disorder. Also called: PI4KB-related condition.

gnomAD v4.1: 1,568 of 1,614,170 alleles (0.097%); highest among the groups gnomAD compares: Non-Finnish European, 0.092%; 6 homozygotes.

Submission:

PreventionGenetics, part of Exact Sciences
Classification: Likely benign for PI4KB-related condition. Last evaluated: 2026-03-31. Review status: criteria provided, single submitter. Criteria: ACMG Guidelines, 2015. Collection method: clinical testing. Allele origin: germline.
Comment: This variant is classified as likely benign based on ACMG/AMP sequence variant interpretation guidelines (Richards et al. 2015 PMID: 25741868, with internal and published modifications).